The following is an entry in ClinVar:

NM_000053.4(ATP7B):c.2622G>C (p.Ala874=)

Gene: ATP7B (ATPase copper transporting beta; minus strand). Cytogenetic location: 13q14.3.
Variant type: single nucleotide variant.
Coding change: c.2622G>C on transcript NM_000053.4 (MANE Select); coding-DNA position 2622, G replaced by C.
Protein change: p.Ala874=; no amino-acid change (alanine 874 retained).
Molecular consequence: synonymous variant.
Genome position (GRCh38, 1-based): chr13:51,950,115, C>G on the plus strand (G>C on the coding strand, the complement: ATP7B is on the minus strand). VCF-style: chr13-51950115-C-G. GRCh37 (hg19) VCF-style: chr13-52524251-C-G.
Other names: c.2136G>C, p.Ala712= (NM_001406541.1, NM_001406542.1, NM_001406546.1 and 1 more transcripts); c.2274G>C, p.Ala758= (NM_001406543.1); c.2040G>C, p.Ala680= (NM_001406544.1); c.1974G>C, p.Ala658= (NM_001406545.1, NM_001406547.1); c.1332G>C, p.Ala444= (NM_001406548.1); c.2289G>C, p.Ala763= (NM_001243182.2); c.2388G>C, p.Ala796= (NM_001330578.2, NM_001406527.1, NM_001406528.1 and 2 more transcripts); c.2370G>C, p.Ala790= (NM_001330579.2, NM_001406531.1, NM_001406532.1 and 1 more transcripts); and 8 more.
Identifiers: ClinVar variation 3387630 (VCV003387630.2).

ClinVar aggregate classification (germline): Likely benign. Review status: criteria provided, multiple submitters, no conflicts (2 of 4 stars). 2 submissions from 2 submitters: Likely benign (2). Last evaluated 2024-06-09.

Conditions:
Wilson disease (WND). Also called: Wilson's disease. Identifiers: Orphanet 905, MedGen C0019202, MONDO:0010200, OMIM 277900. Disease mechanism: loss of function.

gnomAD v4.1: 4 of 1,614,056 alleles (0.00025%); highest among the groups gnomAD compares: African/African-American, 0.0027%; no homozygotes.

Submissions (2):

All of Us Research Program, National Institutes of Health
Classification: Likely benign for Wilson disease. Last evaluated: 2024-06-09. Review status: criteria provided, single submitter. Criteria: ACMG Guidelines, 2015. Collection method: clinical testing. Allele origin: germline. Inheritance: Autosomal recessive inheritance. Observed: 1 variant allele, 1 heterozygote.
Comment: This study involves interpretation of variants in research participants for the purpose of population health screening. Participant phenotype was not available at the time of variant classification. Additional details can be found in publication PMID: 35346344, PMCID: PMC8962531

Color Diagnostics, LLC DBA Color Health
Classification: Likely benign for Wilson disease. Last evaluated: 2024-06-04. Review status: criteria provided, single submitter. Criteria: ACMG Guidelines, 2015. Collection method: clinical testing. Allele origin: germline.